The following is an entry in ClinVar:

NM_001130987.2(DYSF):c.4253C>G (p.Pro1418Arg)

Gene: DYSF (dysferlin; plus strand). Cytogenetic location: 2p13.2.
Variant type: single nucleotide variant.
Coding change: c.4253C>G on transcript NM_001130987.2 (MANE Select); coding-DNA position 4253, C replaced by G.
Protein change: p.Pro1418Arg; replaces proline 1418 with arginine.
Molecular consequence: missense variant.
Genome position (GRCh38, 1-based): chr2:71,612,672, C>G. VCF-style: chr2-71612672-C-G. GRCh37 (hg19) VCF-style: chr2-71839802-C-G.
Other names: c.4202C>G, p.Pro1401Arg (NM_001130455.2, NM_001130983.2); c.4157C>G, p.Pro1386Arg (NM_001130976.2, NM_001130977.2); c.4199C>G, p.Pro1400Arg (NM_001130978.2, NM_003494.4); c.4292C>G, p.Pro1431Arg (NM_001130979.2); c.4250C>G, p.Pro1417Arg (NM_001130980.2, NM_001130981.2); c.4295C>G, p.Pro1432Arg (NM_001130982.2); c.4160C>G, p.Pro1387Arg (NM_001130984.2, NM_001130986.2); c.4253C>G, p.Pro1418Arg (NM_001130985.2); short protein forms P1400R, P1418R, P1401R, P1417R, P1432R, P1387R, P1431R, P1386R.
Identifiers: ClinVar variation 429430 (VCV000429430.63), dbSNP rs138268837, ClinGen allele CA1706944.
Genomic context (GRCh38, chr2:71,612,672, plus strand): 5'-GGCCAGTGCGTTCTTCCTCCTCCACCCAGATGCTGCCCAGGGAGGAGCTCTACTGCCCCC[C>G]CATCACCGTCAAGGTCATCGATAACCGCCAGTTTGGCCGCCGGCCTGTGGTGGGCCAGTG-3'
Protein context (NP_001124459.1, residues 1408-1428): MLPREELYCP[Pro1418Arg]ITVKVIDNRQ

ClinVar aggregate classification (germline): Conflicting classifications of pathogenicity. Review status: criteria provided, conflicting classifications (1 of 4 stars). 11 submissions from 11 submitters: Uncertain significance (8); Likely benign (2). 1 of the submissions does not count toward it. Last evaluated 2026-01-20.

Conditions:
Miyoshi muscular dystrophy 1 (MMD1). Identifiers: Orphanet 45448, MedGen C4551973, MONDO:0024545, OMIM 254130.
Autosomal recessive limb-girdle muscular dystrophy type 2B (LGMDR2). Also called: Limb-girdle muscular dystrophy, type 2B; MUSCULAR DYSTROPHY, LIMB-GIRDLE, AUTOSOMAL RECESSIVE 2; MUSCULAR DYSTROPHY, LIMB-GIRDLE, TYPE 3; Limb-Girdle Muscular Dystrophy Type 2B (LGMD2B). Identifiers: Orphanet 268, MedGen C1850889, MONDO:0009676, OMIM 253601.
Neuromuscular disease caused by qualitative or quantitative defects of dysferlin. Also called: Qualitative or quantitative defects of dysferlin; Dysferlinopathy. Identifiers: Orphanet 207073, MedGen C2931687, MONDO:0016145.

Allele frequency attached by ClinVar (database versions not stated): ESP Exome Variant Server 0.00008; TOPMed 0.00009; ExAC 0.00040; gnomAD 0.00115.
gnomAD v4.1: 610 of 1,614,178 alleles (0.038%); highest among the groups gnomAD compares: Non-Finnish European, 0.024%; 1 homozygote.

Submissions (11):

Labcorp Genetics (formerly Invitae), Labcorp
Classification: Likely benign for Neuromuscular disease caused by qualitative or quantitative defects of dysferlin. Last evaluated: 2026-01-20. Review status: criteria provided, single submitter. Criteria: Invitae Variant Classification Sherloc (09022015). Collection method: clinical testing. Allele origin: germline.

Blueprint Genetics
Classification: Likely benign. Last evaluated: 2024-11-14. Review status: criteria provided, single submitter. Criteria: ACMG Guidelines, 2015. Collection method: clinical testing. Allele origin: germline.

GeneDx
Classification: Uncertain significance. Last evaluated: 2024-05-06. Review status: criteria provided, single submitter. Criteria: GeneDx Variant Classification Process June 2021. Collection method: clinical testing. Allele origin: germline. Affected: yes.
Comment: In silico analysis supports that this missense variant has a deleterious effect on protein structure/function; This variant is associated with the following publications: (PMID: 24438169)

Revvity Omics, Revvity
Classification: Uncertain significance. Last evaluated: 2023-06-29. Review status: criteria provided, single submitter. Criteria: ACMG Guidelines, 2015. Collection method: clinical testing. Allele origin: germline.

Athena Diagnostics
Classification: Uncertain significance. Last evaluated: 2022-04-04. Review status: criteria provided, single submitter. Criteria: Athena Diagnostics Criteria. Collection method: clinical testing. Allele origin: unknown.

CeGaT Center for Human Genetics Tuebingen
Classification: Uncertain significance. Last evaluated: 2021-06-01. Review status: criteria provided, single submitter. Criteria: CeGaT Center For Human Genetics Tuebingen Variant Classification Criteria Version 2. Collection method: clinical testing. Allele origin: germline. Affected: yes. Observed: 1 variant allele.

Genome-Nilou Lab
Classification: Uncertain significance for Miyoshi muscular dystrophy 1. Last evaluated: 2021-05-18. Review status: criteria provided, single submitter. Criteria: ACMG Guidelines, 2015. Collection method: clinical testing. Allele origin: germline. Affected: no.

Mendelics
Classification: Uncertain significance for Autosomal recessive limb-girdle muscular dystrophy type 2B. Last evaluated: 2019-05-28. Review status: criteria provided, single submitter. Criteria: Mendelics Assertion Criteria 2017. Collection method: clinical testing. Allele origin: unknown.

Eurofins Ntd Llc (ga)
Classification: Uncertain significance. Last evaluated: 2017-12-19. Review status: criteria provided, single submitter. Criteria: EGL Classification Definitions 2015. Collection method: clinical testing. Allele origin: germline. Observed: 2 variant alleles, 2 heterozygotes.

Illumina Laboratory Services, Illumina
Classification: Uncertain significance for Qualitative or quantitative defects of dysferlin. Last evaluated: 2017-04-28. Review status: criteria provided, single submitter. Criteria: ICSL Variant Classification Criteria 13 December 2019. Collection method: clinical testing. Allele origin: germline.

Counsyl
Classification: Uncertain significance for Autosomal recessive limb-girdle muscular dystrophy type 2B. Last evaluated: 2018-01-31. Review status: no assertion criteria provided. Collection method: clinical testing. Allele origin: unknown. Not counted in ClinVar's aggregate classification.

Literature cited by the submitters: PubMed 25373139 (cited by Athena Diagnostics).